The following is an entry in ClinVar:

NM_033305.3(VPS13A):c.5313+1G>C

Gene: VPS13A (vacuolar protein sorting 13 homolog A; plus strand). Cytogenetic location: 9q21.2.
Variant type: single nucleotide variant.
Coding change: c.5313+1G>C on transcript NM_033305.3 (MANE Select); the canonical splice donor site of the intron after coding-DNA position 5313, G replaced by C.
Molecular consequence: splice donor variant.
Genome position (GRCh38, 1-based): chr9:77,318,592, G>C. VCF-style: chr9-77318592-G-C. GRCh37 (hg19) VCF-style: chr9-79933508-G-C.
Other names: c.5196+1G>C (NM_001018037.2); c.5313+1G>C (NM_015186.4, NM_001018038.3).
Identifiers: ClinVar variation 4634387 (VCV004634387.1).

ClinVar aggregate classification (germline): Uncertain significance (1 of 4 stars; one submission).

Conditions:
Inborn genetic diseases. Identifiers: MedGen C0950123, MeSH D030342.

Submission:

Ambry Genetics
Classification: Uncertain significance for Inborn genetic diseases. Last evaluated: 2025-09-24. Review status: criteria provided, single submitter. Criteria: Ambry Variant Classification Scheme 2023. Collection method: clinical testing. Allele origin: germline.
Comment: The c.5313+1G>C intronic variant results from a G to C substitution one nucleotide after coding exon 41 of the VPS13A gene. Alterations that disrupt the canonical splice site are expected to result in aberrant splicing. The resulting transcript is predicted to be in-frame and is not expected to trigger nonsense-mediated mRNA decay, although direct evidence is unavailable. This variant was not reported in population-based cohorts in the Genome Aggregation Database (gnomAD). This nucleotide position is highly conserved in available vertebrate species. In silico splice site analysis predicts that this alteration will weaken the native splice donor site. Based on insufficient or conflicting evidence, the clinical significance of this alteration remains unclear.